The following is an entry in ClinVar:

ClinVar aggregate classification (germline): Uncertain significance. Review status: criteria provided, multiple submitters, no conflicts (2 of 4 stars). 2 submissions from 2 submitters: Uncertain significance (2). Last evaluated 2026-03-15.

Conditions:
Inborn genetic diseases. Identifiers: MedGen C0950123, MeSH D030342.

Allele frequency attached by ClinVar (database versions not stated): TOPMed 0.00002; ExAC 0.00003.

Submissions (2):

GeneDx
Classification: Uncertain significance. Last evaluated: 2026-03-15. Review status: criteria provided, single submitter. Criteria: GeneDx Variant Classification Process June 2021. Collection method: clinical testing. Allele origin: germline.
Comment: In silico analysis suggests that this missense variant does not alter protein structure/function; Has not been previously published as pathogenic or benign to our knowledge

Ambry Genetics
Classification: Uncertain significance for Inborn genetic diseases. Last evaluated: 2024-01-03. Review status: criteria provided, single submitter. Criteria: Ambry Variant Classification Scheme 2023. Collection method: clinical testing. Allele origin: germline.

NM_006045.3(ATP9A):c.112C>T (p.Pro38Ser)

Gene: ATP9A (ATPase phospholipid transporting 9A; minus strand). Cytogenetic location: 20q13.2.
Variant type: single nucleotide variant.
Coding change: c.112C>T on transcript NM_006045.3 (MANE Select); coding-DNA position 112, C replaced by T.
Protein change: p.Pro38Ser; replaces proline 38 with serine.
Molecular consequence: missense variant.
Genome position (GRCh38, 1-based): chr20:51,729,935, G>A on the plus strand (C>T on the coding strand, the complement: ATP9A is on the minus strand). VCF-style: chr20-51729935-G-A. GRCh37 (hg19) VCF-style: chr20-50346474-G-A.
Other names: c.112C>T (NM_006045.2); short protein forms P38S.
Identifiers: ClinVar variation 3132054 (VCV003132054.2), dbSNP rs760019975, ClinGen allele CA9911864.